The following is an entry in ClinVar:

NM_007254.4(PNKP):c.1315C>T (p.Arg439Ter)

Gene: PNKP (polynucleotide kinase 3'-phosphatase; minus strand). Cytogenetic location: 19q13.33.
Variant type: single nucleotide variant.
Coding change: c.1315C>T on transcript NM_007254.4 (MANE Select); coding-DNA position 1315, C replaced by T.
Protein change: p.Arg439Ter; replaces arginine 439 with a stop codon.
Molecular consequence: nonsense.
Genome position (GRCh38, 1-based): chr19:49,861,679, G>A on the plus strand (C>T on the coding strand, the complement: PNKP is on the minus strand). VCF-style: chr19-49861679-G-A. GRCh37 (hg19) VCF-style: chr19-50364936-G-A.
Other names: short protein forms R439*.
Identifiers: ClinVar variation 379820 (VCV000379820.11), dbSNP rs539286945, ClinGen allele CA16608306.

ClinVar aggregate classification (germline): Pathogenic/Likely pathogenic. Review status: criteria provided, multiple submitters, no conflicts (2 of 4 stars). 3 submissions from 3 submitters: Pathogenic (2); Likely pathogenic (1). Last evaluated 2025-07-06.

Conditions:
Developmental and epileptic encephalopathy, 12 (DEE12). Identifiers: MedGen C3150988, MONDO:0013389, OMIM 613722.
Microcephaly, seizures, and developmental delay. Identifiers: Orphanet 1934, MedGen C3150667, MONDO:0013254, OMIM 613402.
Charcot-Marie-Tooth disease type 2B2 (CMT2B2). Also called: CHARCOT-MARIE-TOOTH DISEASE, AXONAL, AUTOSOMAL RECESSIVE, TYPE 2B2; Charcot-Marie-Tooth Neuropathy Type 2B2; CHARCOT-MARIE-TOOTH DISEASE, NEURONAL, TYPE 2B2; CHARCOT-MARIE-TOOTH DISEASE, AXONAL, TYPE 2B2. Identifiers: Orphanet 101101, MedGen C1854150, MONDO:0011570, OMIM 605589.
Ataxia - oculomotor apraxia type 4. Identifiers: Orphanet 459033, MedGen C4225397, MONDO:0014557, OMIM 616267.

Allele frequency attached by ClinVar (database versions not stated): gnomAD 0.00001; TOPMed 0.00001; 1000 Genomes Project 30x 0.00016; 1000 Genomes Project 0.00020.
gnomAD v4.1: 17 of 1,547,218 alleles (0.0011%); highest among the groups gnomAD compares: African/African-American, 0.0027%; no homozygotes.

Submissions (3):

Labcorp Genetics (formerly Invitae), Labcorp
Classification: Pathogenic for Developmental and epileptic encephalopathy, 12. Last evaluated: 2025-07-06. Review status: criteria provided, single submitter. Criteria: Invitae Variant Classification Sherloc (09022015). Collection method: clinical testing. Allele origin: germline.
Comment: This sequence change creates a premature translational stop signal (p.Arg439*) in the PNKP gene. It is expected to result in an absent or disrupted protein product. Loss-of-function variants in PNKP are known to be pathogenic (PMID: 20118933, 25728773). The frequency data for this variant in the population databases is considered unreliable, as metrics indicate poor data quality at this position in the gnomAD database. This variant has not been reported in the literature in individuals affected with PNKP-related conditions. ClinVar contains an entry for this variant (Variation ID: 379820). For these reasons, this variant has been classified as Pathogenic.

GeneDx
Classification: Pathogenic. Last evaluated: 2015-05-19. Review status: criteria provided, single submitter. Criteria: GeneDx Variant Classification (06012015). Collection method: clinical testing. Allele origin: germline. Affected: yes.
Comment: The R439X nonsense variant in the PNKP gene is predicted to cause loss of normal protein function eitherthrough protein truncation or nonsense-mediated mRNA decay. It was not observed in approximately 6,000individuals of European and African American ancestry in the NHLBI Exome Sequencing Project, but the 1000Genomes Project reports R439X was observed in 1/198 (0.5%) alleles from individuals of Nigerianbackground. Although the R439X variant has not been reported previously to our knowledge, it is expected to be a pathogenic variant.

Juno Genomics, Hangzhou Juno Genomics, Inc
Classification: Likely pathogenic for Charcot-Marie-Tooth disease type 2B2; Ataxia - oculomotor apraxia type 4; Microcephaly, seizures, and developmental delay. Review status: criteria provided, single submitter. Criteria: ACMG Guidelines, 2015. Collection method: clinical testing. Allele origin: germline.
Comment: Null variant in a gene where loss of function (LOF) is a known mechanism of disease.;Absent from controls (or at extremely low frequency if recessive) in Genome Aggregation Database.

Literature cited by the submitters: PubMed 20118933 (cited by Labcorp Genetics (formerly Invitae), Labcorp); PubMed 25728773 (cited by Labcorp Genetics (formerly Invitae), Labcorp).